The following is an entry in ClinVar:

ClinVar aggregate classification (germline): Uncertain significance (1 of 4 stars; one submission).

Conditions:
Early-infantile DEE. Also called: Early infantile epileptic encephalopathy with suppression bursts; Early infantile epileptic encephalopathy; Ohtahara syndrome. Identifiers: Orphanet 1934, MedGen C0393706, MONDO:0800491.

Submission:

Labcorp Genetics (formerly Invitae), Labcorp
Classification: Uncertain significance for Early-infantile DEE. Last evaluated: 2023-02-21. Review status: criteria provided, single submitter. Criteria: Invitae Variant Classification Sherloc (09022015). Collection method: clinical testing. Allele origin: germline.
Comment: In summary, the available evidence is currently insufficient to determine the role of this variant in disease. Therefore, it has been classified as a Variant of Uncertain Significance. Advanced modeling of protein sequence and biophysical properties (such as structural, functional, and spatial information, amino acid conservation, physicochemical variation, residue mobility, and thermodynamic stability) performed at Invitae indicates that this missense variant is not expected to disrupt HCN1 protein function. ClinVar contains an entry for this variant (Variation ID: 1444790). This variant has not been reported in the literature in individuals affected with HCN1-related conditions. This variant is not present in population databases (gnomAD no frequency). This sequence change replaces glutamic acid, which is acidic and polar, with aspartic acid, which is acidic and polar, at codon 75 of the HCN1 protein (p.Glu75Asp).

NM_021072.4(HCN1):c.225G>C (p.Glu75Asp)

Gene: HCN1 (hyperpolarization activated cyclic nucleotide gated potassium channel 1; minus strand). Cytogenetic location: 5p12.
Variant type: single nucleotide variant.
Coding change: c.225G>C on transcript NM_021072.4 (MANE Select); coding-DNA position 225, G replaced by C.
Protein change: p.Glu75Asp; replaces glutamic acid 75 with aspartic acid.
Molecular consequence: missense variant.
Genome position (GRCh38, 1-based): chr5:45,695,869, C>G on the plus strand (G>C on the coding strand, the complement: HCN1 is on the minus strand). VCF-style: chr5-45695869-C-G. GRCh37 (hg19) VCF-style: chr5-45695971-C-G.
Other names: short protein forms E75D.
Identifiers: ClinVar variation 1444790 (VCV001444790.7), dbSNP rs2112109170, ClinGen allele CA359706488.